The following is an entry in ClinVar:

ClinVar aggregate classification (germline): Uncertain significance (1 of 4 stars; one submission).

Conditions:
Generalized epilepsy with febrile seizures plus, type 7 (GEFSP7). Also called: GEFS+, TYPE 7. Identifiers: Orphanet 36387, MedGen C2751778, MONDO:0013470, OMIM 613863.
Neuropathy, hereditary sensory and autonomic, type 2A (HSAN2A). Also called: WNK1-Related HSAN2 (HSAN2A); HSAN IIA; MORVAN DISEASE; NEUROPATHY, CONGENITAL SENSORY; NEUROPATHY, HEREDITARY SENSORY RADICULAR, AUTOSOMAL RECESSIVE; NEUROPATHY, HEREDITARY SENSORY, TYPE IIA. Identifiers: Orphanet 970, MedGen C2752089, MONDO:0024309, OMIM 201300.

Allele frequency attached by ClinVar (database versions not stated): gnomAD 0.00001; TOPMed 0.00001; gnomAD exomes 0.00002.
gnomAD v4.1: 29 of 1,612,582 alleles (0.0018%); highest among the groups gnomAD compares: Non-Finnish European, 0.0025%; no homozygotes.

Submission:

Labcorp Genetics (formerly Invitae), Labcorp
Classification: Uncertain significance for Neuropathy, hereditary sensory and autonomic, type 2A; Generalized epilepsy with febrile seizures plus, type 7. Last evaluated: 2024-11-30. Review status: criteria provided, single submitter. Criteria: Invitae Variant Classification Sherloc (09022015). Collection method: clinical testing. Allele origin: germline.
Comment: This sequence change replaces glutamic acid, which is acidic and polar, with aspartic acid, which is acidic and polar, at codon 1129 of the SCN9A protein (p.Glu1129Asp). This variant is present in population databases (rs201049193, gnomAD 0.004%). This variant has not been reported in the literature in individuals affected with SCN9A-related conditions. ClinVar contains an entry for this variant (Variation ID: 961999). Invitae Evidence Modeling of protein sequence and biophysical properties (such as structural, functional, and spatial information, amino acid conservation, physicochemical variation, residue mobility, and thermodynamic stability) indicates that this missense variant is not expected to disrupt SCN9A protein function with a negative predictive value of 95%. In summary, the available evidence is currently insufficient to determine the role of this variant in disease. Therefore, it has been classified as a Variant of Uncertain Significance.

NM_001365536.1(SCN9A):c.3420A>T (p.Glu1140Asp)

Genes: SCN1A-AS1 (SCN1A and SCN9A antisense RNA 1; plus strand), SCN9A (sodium voltage-gated channel alpha subunit 9; minus strand). Cytogenetic location: 2q24.3.
Variant type: single nucleotide variant.
Coding change: c.3420A>T on transcript NM_001365536.1 (MANE Select); coding-DNA position 3420, A replaced by T.
Protein change: p.Glu1140Asp; replaces glutamic acid 1140 with aspartic acid.
Molecular consequence: missense variant. On other transcripts: non-coding transcript variant (1).
Genome position (GRCh38, 1-based): chr2:166,251,817, T>A on the plus strand (A>T on the coding strand, the complement: SCN9A is on the minus strand). VCF-style: chr2-166251817-T-A. GRCh37 (hg19) VCF-style: chr2-167108327-T-A.
Other names: c.3387A>T, p.Glu1129Asp (NM_002977.4); short protein forms E1140D, E1129D.
Identifiers: ClinVar variation 961999 (VCV000961999.10), dbSNP rs201049193, ClinGen allele CA59816509.